The following is an entry in ClinVar:

ClinVar aggregate classification (germline): Uncertain significance (1 of 4 stars; one submission).

Conditions:
Cardiovascular phenotype. Identifiers: MedGen CN230736.
Hereditary cancer-predisposing syndrome. Also called: Neoplastic Syndromes, Hereditary; Hereditary neoplastic syndrome; Hereditary Cancer Syndrome; Tumor predisposition. Identifiers: Orphanet 140162, MedGen C0027672, MeSH D009386, MONDO:0015356.

Submission:

Ambry Genetics
Classification: Uncertain significance for Cardiovascular phenotype; Hereditary cancer-predisposing syndrome. Last evaluated: 2026-05-22. Review status: criteria provided, single submitter. Criteria: Ambry Variant Classification Scheme 2023. Collection method: clinical testing. Allele origin: germline.
Comment: The p.H537Q variant (also known as c.1611C>A), located in coding exon 14 of the NF1 gene, results from a C to A substitution at nucleotide position 1611. The histidine at codon 537 is replaced by glutamine, an amino acid with highly similar properties. This amino acid position is not well conserved in available vertebrate species. In addition, this alteration is predicted to be tolerated by in silico analysis. Based on the available evidence, the clinical significance of this variant remains unclear.

NM_001042492.3(NF1):c.1611C>A (p.His537Gln)

Gene: NF1 (neurofibromin 1; plus strand). Cytogenetic location: 17q11.2.
Variant type: single nucleotide variant.
Coding change: c.1611C>A on transcript NM_001042492.3 (MANE Select); coding-DNA position 1611, C replaced by A.
Protein change: p.His537Gln; replaces histidine 537 with glutamine.
Molecular consequence: missense variant.
Genome position (GRCh38, 1-based): chr17:31,219,088, C>A. VCF-style: chr17-31219088-C-A. GRCh37 (hg19) VCF-style: chr17-29546106-C-A.
Other names: c.1611C>A, p.His537Gln (NM_000267.4, NM_001128147.3); short protein forms H537Q.
Identifiers: ClinVar variation 819664 (VCV000819664.5), dbSNP rs1597703539, ClinGen allele CA399002017.
Genomic context (GRCh38, chr17:31,219,088, plus strand): 5'-AACCCAAGGCAGTACAGCAGAATTAATTACAGGGCTCGTCCAACTGGTCCCTCAGTCACA[C>A]ATGCCAGAGATTGCTCAGGAAGCAATGGAGGTAAGGGGAAAATGAATTCCATGTTCTTGA-3'
Protein context (NP_001035957.1, residues 527-547): TGLVQLVPQS[His537Gln]MPEIAQEAME